The following is an entry in ClinVar:

ClinVar aggregate classification (germline): Uncertain significance (1 of 4 stars; one submission).

Conditions:
Luscan-Lumish syndrome. Identifiers: Orphanet 597738, MedGen C4085873, MONDO:0014791, OMIM 616831.

Submission:

3billion
Classification: Uncertain significance for Luscan-Lumish syndrome. Last evaluated: 2024-12-21. Review status: criteria provided, single submitter. Criteria: ACMG Guidelines, 2015. Collection method: clinical testing. Allele origin: germline. Affected: yes.
Comment: The variant is not observed in the gnomAD v4.1.0 dataset. Predicted Consequence/Location: Missense variant. The majority of the known disease-causing variants of this gene are variants expected to result in premature termination of the protein. In silico tool predictions suggest damaging effect of the variant on gene or gene product [REVEL: 0.86 (>=0.6, sensitivity 0.68 and specificity 0.92)]. Therefore, this variant is classified as VUS according to the recommendation of ACMG/AMP guideline.

NM_014159.7(SETD2):c.4442A>G (p.Tyr1481Cys)

Gene: SETD2 (SET domain containing 2, histone lysine methyltransferase; minus strand). Cytogenetic location: 3p21.31.
Variant type: single nucleotide variant.
Coding change: c.4442A>G on transcript NM_014159.7 (MANE Select); coding-DNA position 4442, A replaced by G.
Protein change: p.Tyr1481Cys; replaces tyrosine 1481 with cysteine.
Molecular consequence: missense variant. On other transcripts: non-coding transcript variant (1).
Genome position (GRCh38, 1-based): chr3:47,120,194, T>C on the plus strand (A>G on the coding strand, the complement: SETD2 is on the minus strand). VCF-style: chr3-47120194-T-C. GRCh37 (hg19) VCF-style: chr3-47161684-T-C.
Other names: c.4310A>G, p.Tyr1437Cys (NM_001349370.3); short protein forms Y1437C, Y1481C.
Identifiers: ClinVar variation 4293907 (VCV004293907.1).